The following is an entry in ClinVar:

ClinVar aggregate classification (germline): Pathogenic (1 of 4 stars; one submission).

Conditions:
Hereditary hemorrhagic telangiectasia (HHT). Also called: ORW DISEASE; Osler Weber Rendu syndrome; OSLER-RENDU-WEBER DISEASE; Osler hemorrhagic telangiectasia syndrome. Identifiers: Orphanet 774, MedGen C0039445, MONDO:0019180. Disease mechanism: loss of function.

Submission:

Labcorp Genetics (formerly Invitae), Labcorp
Classification: Pathogenic for Hereditary hemorrhagic telangiectasia. Last evaluated: 2024-10-15. Review status: criteria provided, single submitter. Criteria: Invitae Variant Classification Sherloc (09022015). Collection method: clinical testing. Allele origin: germline.
Comment: This sequence change affects a donor splice site in intron 8 of the ENG gene. It is expected to disrupt RNA splicing. Variants that disrupt the donor or acceptor splice site typically lead to a loss of protein function (PMID: 16199547), and loss-of-function variants in ENG are known to be pathogenic (PMID: 15879500). This variant is not present in population databases (gnomAD no frequency). Disruption of this splice site has been observed in individual(s) with hereditary hemorrhagic telangiectasia (PMID: 9245986). It has also been observed to segregate with disease in related individuals. Algorithms developed to predict the effect of sequence changes on RNA splicing suggest that this variant may disrupt the consensus splice site. For these reasons, this variant has been classified as Pathogenic.

Literature cited by the submitters: PubMed 16199547; PubMed 15879500; PubMed 9245986.

NM_001114753.3(ENG):c.1134+2T>C

Gene: ENG (endoglin; minus strand). Cytogenetic location: 9q34.11.
Variant type: single nucleotide variant.
Coding change: c.1134+2T>C on transcript NM_001114753.3 (MANE Select); the canonical splice donor site of the intron after coding-DNA position 1134, T replaced by C.
Molecular consequence: splice donor variant. On other transcripts: missense variant (1).
Genome position (GRCh38, 1-based): chr9:127,824,302, A>G on the plus strand (T>C on the coding strand, the complement: ENG is on the minus strand). VCF-style: chr9-127824302-A-G. GRCh37 (hg19) VCF-style: chr9-130586581-A-G.
Other names: c.1136T>C, p.Val379Ala (NM_001406715.1); c.1134+2T>C (NM_000118.4); c.588+2T>C (NM_001278138.2); short protein forms V379A.
Identifiers: ClinVar variation 3722958 (VCV003722958.2).